The following is an entry in ClinVar:

ClinVar aggregate classification (germline): Uncertain significance (1 of 4 stars; one submission).

Conditions:
Developmental and epileptic encephalopathy. Identifiers: MedGen C5779964, MONDO:0100620.

Submission:

Labcorp Genetics (formerly Invitae), Labcorp
Classification: Uncertain significance for Early-infantile DEE. Last evaluated: 2020-10-03. Review status: criteria provided, single submitter. Criteria: Invitae Variant Classification Sherloc (09022015). Collection method: clinical testing. Allele origin: germline.
Comment: This variant is a gross duplication of the genomic region encompassing exons 1-4 of the HCN1 gene. The 5' end of this event is unknown as it extends beyond the assayed region for this gene and therefore may encompass additional genes. The 3' boundary is likely confined to intron 4 of the HCN1 gene. This variant has not been reported in the literature in individuals with a HCN1-related disease. To date, only missense variants in HCN1 have been reported in individuals affected with epilepsy. In summary, this is a novel duplication with an uncertain impact on protein function. Therefore, it has been classified as a Variant of Uncertain Significance.

NC_000005.9:g.(?_45396584)_(45696195_?)dup

Gene: HCN1 (hyperpolarization activated cyclic nucleotide gated potassium channel 1; minus strand). Cytogenetic location: 5p12.
Variant type: Duplication.
Identifiers: ClinVar variation 1047657 (VCV001047657.2).